The following is an entry in ClinVar:

ClinVar aggregate classification (germline): Conflicting classifications of pathogenicity. Review status: criteria provided, conflicting classifications (1 of 4 stars). 8 submissions from 7 submitters: Uncertain significance (1); Benign (2); Likely benign (4). 1 of the submissions does not count toward it. Last evaluated 2026-02-04.

Conditions:
Usher syndrome type 1 (USH1). Also called: RETINITIS PIGMENTOSA AND CONGENITAL DEAFNESS. Identifiers: Orphanet 231169, Orphanet 886, MedGen C1568247, MONDO:0010168, OMIM 276900.
Autosomal recessive nonsyndromic hearing loss 12. Also called: DEAFNESS, AUTOSOMAL RECESSIVE 12. Identifiers: Orphanet 90636, MedGen C1832394, MONDO:0011067, OMIM 601386.
Usher syndrome type 1D (USH1D). Also called: USHER SYNDROME, TYPE ID. Identifiers: Orphanet 231169, Orphanet 886, MedGen C1832845, MONDO:0010984, OMIM 601067.

Allele frequency attached by ClinVar (database versions not stated): gnomAD 0.00028 and 0.00040; gnomAD exomes 0.00030 and 0.00099; TOPMed 0.00062; ExAC 0.00094; 1000 Genomes Project 30x 0.00172; 1000 Genomes Project 0.00200.
gnomAD v4.1: 503 of 1,612,330 alleles (0.031%); highest among the groups gnomAD compares: East Asian, 0.98%; 1 homozygote.

Submissions (8):

Labcorp Genetics (formerly Invitae), Labcorp
Classification: Benign. Last evaluated: 2026-02-04. Review status: criteria provided, single submitter. Criteria: Invitae Variant Classification Sherloc (09022015). Collection method: clinical testing. Allele origin: germline.

Blueprint Genetics
Classification: Likely benign. Last evaluated: 2024-11-14. Review status: criteria provided, single submitter. Criteria: ACMG Guidelines, 2015. Collection method: clinical testing. Allele origin: germline.

CeGaT Center for Human Genetics Tuebingen
Classification: Likely benign. Last evaluated: 2023-02-01. Review status: criteria provided, single submitter. Criteria: CeGaT Center For Human Genetics Tuebingen Variant Classification Criteria Version 2. Collection method: clinical testing. Allele origin: germline. Affected: yes. Observed: 1 variant allele.
Comment: CDH23: BP4, BP7, BS1

GeneDx
Classification: Likely benign. Last evaluated: 2021-10-11. Review status: criteria provided, single submitter. Criteria: GeneDx Variant Classification Process June 2021. Collection method: clinical testing. Allele origin: germline. Affected: yes.
Comment: This variant is associated with the following publications: (PMID: 17850630)

Illumina Laboratory Services, Illumina
Classification: Uncertain significance for Autosomal recessive nonsyndromic hearing loss 12. Last evaluated: 2017-04-27. Review status: criteria provided, single submitter. Criteria: ICSL Variant Classification Criteria 13 December 2019. Collection method: clinical testing. Allele origin: germline.

Illumina Laboratory Services, Illumina
Classification: Likely benign for Usher syndrome type 1D. Last evaluated: 2017-04-27. Review status: criteria provided, single submitter. Criteria: ICSL Variant Classification Criteria 13 December 2019. Collection method: clinical testing. Allele origin: germline.
Comment: This variant was observed as part of a predisposition screen in an ostensibly healthy population. A literature search was performed for the gene, cDNA change, and amino acid change (where applicable). No publications were found based on this search. Allele frequency data from public databases allowed determination this variant is unlikely to cause disease. Therefore, this variant is classified as likely benign.

Laboratory for Molecular Medicine, Mass General Brigham Personalized Medicine
Classification: Benign. Last evaluated: 2015-04-17. Review status: criteria provided, single submitter. Criteria: LMM Criteria. Collection method: clinical testing. Allele origin: germline. Observed: 3 variant alleles.
Comment: p.Asp2953Asp in exon 61 of CDH23: This variant is not expected to have clinical significance because has been identified in 1.3% (111/8568) of East Asian chromo somes by the Exome Aggregation Consortium (ExAC; dbSNP rs11000008).

Natera, Inc.
Classification: Likely benign for Usher syndrome type 1. Last evaluated: 2019-12-06. Review status: no assertion criteria provided. Collection method: clinical testing. Allele origin: germline. Not counted in ClinVar's aggregate classification.

Literature cited by the submitters: PubMed 17850630 (cited by Laboratory for Molecular Medicine, Mass General Brigham Personalized Medicine).

NM_022124.6(CDH23):c.8859C>T (p.Asp2953=)

Gene: CDH23 (cadherin related 23; plus strand). Cytogenetic location: 10q22.1.
Variant type: single nucleotide variant.
Coding change: c.8859C>T on transcript NM_022124.6 (MANE Select); coding-DNA position 8859, C replaced by T.
Protein change: p.Asp2953=; no amino-acid change (aspartic acid 2953 retained).
Molecular consequence: synonymous variant.
Genome position (GRCh38, 1-based): chr10:71,809,956, C>T. VCF-style: chr10-71809956-C-T. GRCh37 (hg19) VCF-style: chr10-73569713-C-T.
Other names: c.2139C>T, p.Asp713= (NM_001171933.1, NM_001171934.1).
Identifiers: ClinVar variation 46057 (VCV000046057.46), dbSNP rs11000008, ClinGen allele CA137611.